The following is an entry in ClinVar:

ClinVar aggregate classification (germline): Pathogenic/Likely pathogenic. Review status: criteria provided, multiple submitters, no conflicts (2 of 4 stars). 2 submissions from 2 submitters: Pathogenic (1); Likely pathogenic (1). Last evaluated 2025-05-24.

Conditions:
Weill-Marchesani 4 syndrome, recessive. Also called: Weill-Marchesani syndrome 4. Identifiers: Orphanet 363992, MedGen C2750787, MONDO:0013176, OMIM 613195.

Submissions (2):

Labcorp Genetics (formerly Invitae), Labcorp
Classification: Pathogenic. Last evaluated: 2025-05-24. Review status: criteria provided, single submitter. Criteria: Invitae Variant Classification Sherloc (09022015). Collection method: clinical testing. Allele origin: germline.
Comment: This sequence change creates a premature translational stop signal (p.Arg66Glnfs*94) in the ADAMTS17 gene. It is expected to result in an absent or disrupted protein product. Loss-of-function variants in ADAMTS17 are known to be pathogenic (PMID: 19836009, 24940034). The frequency data for this variant in the population databases is considered unreliable, as metrics indicate insufficient coverage at this position in the gnomAD database. This variant has not been reported in the literature in individuals affected with ADAMTS17-related conditions. ClinVar contains an entry for this variant (Variation ID: 3065118). For these reasons, this variant has been classified as Pathogenic.

Genomic Medicine Center of Excellence, King Faisal Specialist Hospital and Research Centre
Classification: Likely pathogenic for Weill-Marchesani 4 syndrome, recessive. Last evaluated: 2024-03-26. Review status: criteria provided, single submitter. Criteria: ACMG Guidelines, 2015. Collection method: clinical testing. Allele origin: germline.

Literature cited by the submitters: PubMed 19836009 (cited by Labcorp Genetics (formerly Invitae), Labcorp); PubMed 24940034 (cited by Labcorp Genetics (formerly Invitae), Labcorp).

NM_139057.4(ADAMTS17):c.197_206del (p.Arg66fs)

Gene: ADAMTS17 (ADAM metallopeptidase with thrombospondin type 1 motif 17; minus strand). Cytogenetic location: 15q26.3.
Variant type: Deletion.
Coding change: c.197_206del on transcript NM_139057.4 (MANE Select); coding-DNA positions 197 to 206, 10 bases deleted (GCACGCCCCC; older notation c.197_206delGCACGCCCCC).
Protein change: p.Arg66fs; shifts the reading frame from arginine 66.
Molecular consequence: frameshift variant.
Genome position (GRCh38, 1-based): chr15:100,341,283-100,341,292, GGGGGCGTGC deleted on the plus strand (GCACGCCCCC on the coding strand, the reverse complement: ADAMTS17 is on the minus strand); deleting any 10 consecutive bases within chr15:100,341,283-100,341,300 gives the same sequence; the c. name uses the placement nearest the transcript's 3' end. VCF-style (leftmost placement, unchanged base first): chr15-100341282-TGGGGGCGTGC-T. GRCh37 (hg19) VCF-style: chr15-100881487-TGGGGGCGTGC-T.
Other names: short protein forms R66fs.
Identifiers: ClinVar variation 3065118 (VCV003065118.2), dbSNP rs1029322575, ClinGen allele CA275938186.